The following is an entry in ClinVar:

ClinVar aggregate classification (germline): Conflicting classifications of pathogenicity. Review status: criteria provided, conflicting classifications (1 of 4 stars). 4 submissions from 4 submitters: Uncertain significance (3); Likely benign (1). Last evaluated 2025-11-28.

Conditions:
Inborn genetic diseases. Identifiers: MedGen C0950123, MeSH D030342.
Aortic valve disease 2 (AOVD2). Identifiers: MedGen C3542024, MONDO:0013902, OMIM 614823.

Allele frequency attached by ClinVar (database versions not stated): TOPMed 0.00011; gnomAD 0.00012 and 0.00013.

Submissions (4):

Labcorp Genetics (formerly Invitae), Labcorp
Classification: Uncertain significance for Aortic valve disease 2. Last evaluated: 2025-11-28. Review status: criteria provided, single submitter. Criteria: Invitae Variant Classification Sherloc (09022015). Collection method: clinical testing. Allele origin: germline.
Comment: This sequence change replaces proline, which is neutral and non-polar, with arginine, which is basic and polar, at codon 65 of the SMAD6 protein (p.Pro65Arg). This variant is present in population databases (no rsID available, gnomAD 0.02%). This variant has not been reported in the literature in individuals affected with SMAD6-related conditions. ClinVar contains an entry for this variant (Variation ID: 405518). An algorithm developed to predict the effect of missense changes on protein structure and function (PolyPhen-2) suggests that this variant is likely to be tolerated. In summary, the available evidence is currently insufficient to determine the role of this variant in disease. Therefore, it has been classified as a Variant of Uncertain Significance.

Ambry Genetics
Classification: Uncertain significance for Inborn genetic diseases. Last evaluated: 2024-09-09. Review status: criteria provided, single submitter. Criteria: Ambry Variant Classification Scheme 2023. Collection method: clinical testing. Allele origin: germline.

Blueprint Genetics
Classification: Likely benign. Last evaluated: 2024-08-22. Review status: criteria provided, single submitter. Criteria: ACMG Guidelines, 2015. Collection method: clinical testing. Allele origin: germline.

Women's Health and Genetics/Laboratory Corporation of America, LabCorp
Classification: Uncertain significance. Last evaluated: 2023-08-24. Review status: criteria provided, single submitter. Criteria: LabCorp Variant Classification Summary - May 2015. Collection method: clinical testing. Allele origin: germline.

NM_005585.5(SMAD6):c.194C>G (p.Pro65Arg)

Gene: SMAD6 (SMAD family member 6; plus strand). Cytogenetic location: 15q22.31.
Variant type: single nucleotide variant.
Coding change: c.194C>G on transcript NM_005585.5 (MANE Select); coding-DNA position 194, C replaced by G.
Protein change: p.Pro65Arg; replaces proline 65 with arginine.
Molecular consequence: missense variant. On other transcripts: non-coding transcript variant (1).
Genome position (GRCh38, 1-based): chr15:66,703,452, C>G. VCF-style: chr15-66703452-C-G. GRCh37 (hg19) VCF-style: chr15-66995790-C-G.
Other names: short protein forms P65R.
Identifiers: ClinVar variation 405518 (VCV000405518.11), dbSNP rs990598927, ClinGen allele CA16614468.